The following is an entry in ClinVar:

ClinVar aggregate classification (germline): Uncertain significance (1 of 4 stars; one submission).

Conditions:
Epileptic encephalopathy. Identifiers: MedGen C0543888, HP:0200134.

Allele frequency attached by ClinVar (database versions not stated): gnomAD exomes below 0.00001; ExAC 0.00001; gnomAD 0.00001; 1000 Genomes Project 30x 0.00016; 1000 Genomes Project 0.00020.

Submission:

Labcorp Genetics (formerly Invitae), Labcorp
Classification: Uncertain significance for Epileptic encephalopathy. Last evaluated: 2025-01-14. Review status: criteria provided, single submitter. Criteria: Invitae Variant Classification Sherloc (09022015). Collection method: clinical testing. Allele origin: germline.
Comment: This sequence change replaces lysine, which is basic and polar, with arginine, which is basic and polar, at codon 1392 of the FASN protein (p.Lys1392Arg). This variant is present in population databases (rs551168545, gnomAD 0.003%). This variant has not been reported in the literature in individuals affected with FASN-related conditions. ClinVar contains an entry for this variant (Variation ID: 640038). An algorithm developed to predict the effect of missense changes on protein structure and function (PolyPhen-2) suggests that this variant is likely to be tolerated. In summary, the available evidence is currently insufficient to determine the role of this variant in disease. Therefore, it has been classified as a Variant of Uncertain Significance.

NM_004104.5(FASN):c.4175A>G (p.Lys1392Arg)

Gene: FASN (fatty acid synthase; minus strand). Cytogenetic location: 17q25.3.
Variant type: single nucleotide variant.
Coding change: c.4175A>G on transcript NM_004104.5 (MANE Select); coding-DNA position 4175, A replaced by G.
Protein change: p.Lys1392Arg; replaces lysine 1392 with arginine.
Molecular consequence: missense variant.
Genome position (GRCh38, 1-based): chr17:82,085,350, T>C on the plus strand (A>G on the coding strand, the complement: FASN is on the minus strand). VCF-style: chr17-82085350-T-C. GRCh37 (hg19) VCF-style: chr17-80043226-T-C.
Other names: short protein forms K1392R.
Identifiers: ClinVar variation 640038 (VCV000640038.7), dbSNP rs551168545, ClinGen allele CA8852166.